The following is an entry in ClinVar:

ClinVar aggregate classification (germline): Likely pathogenic (1 of 4 stars; one submission).

Conditions:
Charcot-Marie-Tooth disease axonal type 2T. Identifiers: Orphanet 443950, MedGen C4015635, OMIM 617017, MONDO:0014866.

gnomAD v4.1: 1 of 1,551,564 alleles (0.000064%); highest among the groups gnomAD compares: Non-Finnish European, 0.000089%; no homozygotes.

Submission:

3billion
Classification: Likely pathogenic for Charcot-Marie-Tooth disease axonal type 2T. Last evaluated: 2023-08-16. Review status: criteria provided, single submitter. Criteria: ACMG Guidelines, 2015. Collection method: clinical testing. Allele origin: germline. Affected: yes.
Comment: The variant is observed at an extremely low frequency in the gnomAD v2.1.1 dataset (total allele frequency: 0.000%). Predicted Consequence/Location: Canonical splice site: predicted to alter splicing and result in a loss or disruption of normal protein function. Therefore, this variant is classified as Likely pathogenic according to the recommendation of ACMG/AMP guideline.

NM_007289.4(MME):c.1981-2A>G

Gene: MME (membrane metalloendopeptidase; plus strand). Cytogenetic location: 3q25.2.
Variant type: single nucleotide variant.
Coding change: c.1981-2A>G on transcript NM_007289.4 (MANE Select); the canonical splice acceptor site of the intron before coding-DNA position 1981, A replaced by G.
Molecular consequence: splice acceptor variant.
Genome position (GRCh38, 1-based): chr3:155,172,115, A>G. VCF-style: chr3-155172115-A-G. GRCh37 (hg19) VCF-style: chr3-154889904-A-G.
Other names: c.1981-2A>G (NM_001354642.2, NM_000902.5, NM_007287.4 and 2 more transcripts).
Identifiers: ClinVar variation 3775621 (VCV003775621.1).